The following is an entry in ClinVar:

NM_004168.4(SDHA):c.393C>G (p.Asp131Glu)

Gene: SDHA (succinate dehydrogenase complex flavoprotein subunit A; plus strand). Cytogenetic location: 5p15.33.
Variant type: single nucleotide variant.
Coding change: c.393C>G on transcript NM_004168.4 (MANE Select); coding-DNA position 393, C replaced by G.
Protein change: p.Asp131Glu; replaces aspartic acid 131 with glutamic acid.
Molecular consequence: missense variant. On other transcripts: intron variant (1).
Genome position (GRCh38, 1-based): chr5:225,499, C>G. VCF-style: chr5-225499-C-G. GRCh37 (hg19) VCF-style: chr5-225614-C-G.
Other names: c.393C>G, p.Asp131Glu (NM_001330758.2); c.313-384C>G (NM_001294332.2); short protein forms D131E.
Identifiers: ClinVar variation 3793553 (VCV003793553.1).
Genomic context (GRCh38, chr5:225,499, plus strand): 5'-GGGGAACATGGAGGAGGACAACTGGAGGTGGCATTTCTACGACACCGTGAAGGGCTCCGA[C>G]TGGCTGGGGGACCAGGATGCCATCCACTACATGACGGAGCAGGCCCCCGCCGCCGTGGTC-3'
Protein context (NP_004159.2, residues 121-141): WHFYDTVKGS[Asp131Glu]WLGDQDAIHY

ClinVar aggregate classification (germline): Uncertain significance (1 of 4 stars; one submission).

Conditions:
Hereditary cancer-predisposing syndrome. Also called: Neoplastic Syndromes, Hereditary; Hereditary Cancer Syndrome; Tumor predisposition; Hereditary neoplastic syndrome. Identifiers: Orphanet 140162, MedGen C0027672, MeSH D009386, MONDO:0015356.

Submission:

Ambry Genetics
Classification: Uncertain significance for Hereditary cancer-predisposing syndrome. Last evaluated: 2025-02-20. Review status: criteria provided, single submitter. Criteria: Ambry Variant Classification Scheme 2023. Collection method: clinical testing. Allele origin: germline.
Comment: The p.D131E variant (also known as c.393C>G), located in coding exon 4 of the SDHA gene, results from a C to G substitution at nucleotide position 393. The aspartic acid at codon 131 is replaced by glutamic acid, an amino acid with highly similar properties. This amino acid position is conserved. In addition, this alteration is predicted to be deleterious by in silico analysis. Based on the available evidence, the clinical significance of this variant remains unclear.